The following is an entry in ClinVar:

ClinVar aggregate classification (germline): Pathogenic/Likely pathogenic. Review status: criteria provided, multiple submitters, no conflicts (2 of 4 stars). 6 submissions from 6 submitters: Pathogenic (4); Likely pathogenic (1). 1 of the submissions does not count toward it. Last evaluated 2026-02-03.

Conditions:
VPS13B-related disorder. Also called: VPS13B-related condition.
Cohen syndrome (COH1). Also called: Cutis verticis gyrata, retinitis pigmentosa, and sensorineural deafness; PEPPER SYNDROME. Identifiers: Orphanet 193, MedGen C0265223, MONDO:0008999, OMIM 216550.

Submissions (6):

GeneDx
Classification: Pathogenic. Last evaluated: 2026-02-03. Review status: criteria provided, single submitter. Criteria: GeneDx Variant Classification Process June 2021. Collection method: clinical testing. Allele origin: germline.
Comment: Has not been previously reported in peer-reviewed literature as pathogenic or benign to our knowledge. However, in an abstract by Rodrigues et al. (2020), this variant, seen with a second VPS13B variant, was described in an individual with Cohen syndrome (Rodrigues JM et al. (2020) World Allergy Organization Journal, 2020, 13(8):P236); Frameshift variant predicted to result in protein truncation or nonsense mediated decay in a gene for which loss of function is a known mechanism of disease; Not observed at significant frequency in large population cohorts (gnomAD); This variant is associated with the following publications: (PMID: 15141358, 20461111, 16648375, Rodrigues2020[Abstract])

Labcorp Genetics (formerly Invitae), Labcorp
Classification: Pathogenic for Cohen syndrome. Last evaluated: 2025-11-11. Review status: criteria provided, single submitter. Criteria: Invitae Variant Classification Sherloc (09022015). Collection method: clinical testing. Allele origin: germline.
Comment: This sequence change creates a premature translational stop signal (p.Tyr1016delinsIleIleSerGlyLeu*) in the VPS13B gene. It is expected to result in an absent or disrupted protein product. Loss-of-function variants in VPS13B are known to be pathogenic (PMID: 15141358, 16648375, 20461111). This variant is present in population databases (no rsID available, gnomAD 0.004%). This premature translational stop signal has been observed in individual(s) with clinical features of Cohen syndrome (internal data). ClinVar contains an entry for this variant (Variation ID: 370665). For these reasons, this variant has been classified as Pathogenic.

Natera, Inc.
Classification: Likely pathogenic for Cohen syndrome. Last evaluated: 2025-07-08. Review status: criteria provided, single submitter. Criteria: Natera Variant Classification Schema (03/2026). Collection method: clinical testing. Allele origin: germline.
Comment: The c.3027_3045dupATCATATCAGGCCTCTGAA variant in VPS13B is a frameshift variant predicted to shift the reading frame beginning at codon 1016 and leads to a stop codon 6 codons downstream. This variant is expected to result in nonsense mediated decay, truncation, or a dysfunctional protein product. This variant is rare in the general population with a frequency below the threshold expected for the associated phenotype(s). Given the available evidence, this variant is classified as Likely Pathogenic.

Women's Health and Genetics/Laboratory Corporation of America, LabCorp
Classification: Pathogenic for Cohen syndrome. Last evaluated: 2024-08-22. Review status: criteria provided, single submitter. Criteria: LabCorp Variant Classification Summary - May 2015. Collection method: clinical testing. Allele origin: germline.
Comment: Variant summary: VPS13B c.3027_3045dup19 (p.Tyr1016IlefsX6) results in a premature termination codon, predicted to cause a truncation of the encoded protein or absence of the protein due to nonsense mediated decay, which are commonly known mechanisms for disease. The variant allele was found at a frequency of 1.6e-05 in 251404 control chromosomes. To our knowledge, no occurrence of c.3027_3045dup19 in individuals affected with Cohen Syndrome and no experimental evidence demonstrating its impact on protein function have been reported. ClinVar contains an entry for this variant (Variation ID: 370665). Based on the evidence outlined above, the variant was classified as pathogenic.

Blueprint Genetics
Classification: Pathogenic for VPS13B-related disorders. Last evaluated: 2022-11-22. Review status: criteria provided, single submitter. Criteria: ACMG Guidelines, 2015. Collection method: clinical testing. Allele origin: germline. Affected: yes. Observed: 5 variant alleles.

Counsyl
Classification: Likely pathogenic for Cohen syndrome. Last evaluated: 2016-03-18. Review status: no assertion criteria provided. Collection method: clinical testing. Allele origin: unknown. Not counted in ClinVar's aggregate classification.

Literature cited by the submitters: PubMed 15141358 (cited by Labcorp Genetics (formerly Invitae), Labcorp); PubMed 16648375 (cited by Labcorp Genetics (formerly Invitae), Labcorp); PubMed 20461111 (cited by Labcorp Genetics (formerly Invitae), Labcorp).

NM_152564.5(VPS13B):c.3027_3045dup (p.Tyr1016delinsIleIleSerGlyLeuTer)

Gene: VPS13B (vacuolar protein sorting 13 homolog B; plus strand). Cytogenetic location: 8q22.2.
Variant type: Duplication.
Coding change: c.3027_3045dup on transcript NM_152564.5 (MANE Select); coding-DNA positions 3027 to 3045, 19 bases duplicated (ATCATATCAGGCCTCTGAA).
Protein change: p.Tyr1016delinsIleIleSerGlyLeuTer.
Molecular consequence: nonsense.
Genome position (GRCh38, 1-based): chr8:99,391,649-99,391,667, ATCATATCAGGCCTCTGAA duplicated; duplicating any 19 consecutive bases within chr8:99,391,648-99,391,667 gives the same sequence; the c. name uses the placement nearest the transcript's 3' end. VCF-style (leftmost placement, unchanged base first): chr8-99391647-C-CAATCATATCAGGCCTCTGA. GRCh37 (hg19) VCF-style: chr8-100403875-C-CAATCATATCAGGCCTCTGA.
Other names: c.3027_3045dup19 (NM_017890.4, NM_017890.5); c.3027_3045dupATCATATCAGGCCTCTGAA (NM_017890.4); c.3027_3045dup (NM_017890.3); c.3027_3045dup, p.Tyr1016delinsIleIleSerGlyLeuTer (NM_017890.5).
Identifiers: ClinVar variation 370665 (VCV000370665.14), dbSNP rs1057516670, ClinGen allele CA16041232.